The following is an entry in ClinVar:

ClinVar aggregate classification (germline): Uncertain significance (1 of 4 stars; one submission).

Conditions:
DOCK4-related disorder. Also called: DOCK4-related condition.

Submission:

3billion
Classification: Uncertain significance for DOCK4-related disorder. Last evaluated: 2026-01-05. Review status: criteria provided, single submitter. Criteria: ACMG Guidelines, 2015. Collection method: clinical testing. Allele origin: germline. Affected: yes.
Comment: The variant is not observed in the gnomAD v4.1.0 dataset. Predicted Consequence/Location: Frameshift variant Therefore, this variant is classified as VUS according to the recommendation of ACMG/AMP guideline.

NM_001363540.2(DOCK4):c.2741del (p.Glu914fs)

Gene: DOCK4 (dedicator of cytokinesis 4; minus strand). Cytogenetic location: 7q31.1.
Variant type: Deletion.
Coding change: c.2741del on transcript NM_001363540.2 (MANE Select); coding-DNA position 2741, one base deleted (A; older notation c.2741delA).
Protein change: p.Glu914fs; shifts the reading frame from glutamic acid 914.
Molecular consequence: frameshift variant.
Genome position (GRCh38, 1-based): chr7:111,834,682, T deleted on the plus strand (A on the coding strand, the reverse complement: DOCK4 is on the minus strand). VCF-style (leftmost placement, unchanged base first): chr7-111834681-CT-C. GRCh37 (hg19) VCF-style: chr7-111474737-CT-C.
Other names: c.2741del, p.Glu914fs (NM_014705.4); short protein forms E914fs.
Identifiers: ClinVar variation 4856316 (VCV004856316.1).